The following is an entry in ClinVar:

ClinVar aggregate classification (germline): Uncertain significance. Review status: criteria provided, multiple submitters, no conflicts (2 of 4 stars). 3 submissions from 3 submitters: Uncertain significance (3). Last evaluated 2024-12-24.

Conditions:
Karyomegalic interstitial nephritis. Identifiers: Orphanet 401996, MedGen C3553774, MONDO:0013898, OMIM 614817.
Inborn genetic diseases. Identifiers: MedGen C0950123, MeSH D030342.

Allele frequency attached by ClinVar (database versions not stated): gnomAD exomes 0.00003; ExAC 0.00008; 1000 Genomes Project 30x 0.00016; 1000 Genomes Project 0.00020; gnomAD 0.00025; ESP Exome Variant Server 0.00031; TOPMed 0.00036.
gnomAD v4.1: 89 of 1,613,654 alleles (0.0055%); highest among the groups gnomAD compares: African/African-American, 0.11%; no homozygotes.

Submissions (3):

Labcorp Genetics (formerly Invitae), Labcorp
Classification: Uncertain significance. Last evaluated: 2024-12-24. Review status: criteria provided, single submitter. Criteria: Invitae Variant Classification Sherloc (09022015). Collection method: clinical testing. Allele origin: germline.
Comment: This sequence change replaces asparagine, which is neutral and polar, with serine, which is neutral and polar, at codon 36 of the FAN1 protein (p.Asn36Ser). This variant is present in population databases (rs146249441, gnomAD 0.1%). This missense change has been observed in individual(s) with chronic kidney disease (PMID: 36938085). ClinVar contains an entry for this variant (Variation ID: 2360000). An algorithm developed to predict the effect of missense changes on protein structure and function outputs the following: PolyPhen-2: "Benign". The serine amino acid residue is found in multiple mammalian species, which suggests that this missense change does not adversely affect protein function. Algorithms developed to predict the effect of sequence changes on RNA splicing suggest that this variant may create or strengthen a splice site. In summary, the available evidence is currently insufficient to determine the role of this variant in disease. Therefore, it has been classified as a Variant of Uncertain Significance.

Ambry Genetics
Classification: Uncertain significance for Inborn genetic diseases. Last evaluated: 2024-05-24. Review status: criteria provided, single submitter. Criteria: Ambry Variant Classification Scheme 2023. Collection method: clinical testing. Allele origin: germline.

Fulgent Genetics
Classification: Uncertain significance for Karyomegalic interstitial nephritis. Last evaluated: 2024-01-20. Review status: criteria provided, single submitter. Criteria: ACMG Guidelines, 2015. Collection method: clinical testing. Allele origin: germline.

Literature cited by the submitters: PubMed 36938085 (cited by Labcorp Genetics (formerly Invitae), Labcorp).

NM_014967.5(FAN1):c.107A>G (p.Asn36Ser)

Gene: FAN1 (FANCD2 and FANCI associated nuclease 1; plus strand). Cytogenetic location: 15q13.3.
Variant type: single nucleotide variant.
Coding change: c.107A>G on transcript NM_014967.5 (MANE Select); coding-DNA position 107, A replaced by G.
Protein change: p.Asn36Ser; replaces asparagine 36 with serine.
Molecular consequence: missense variant.
Genome position (GRCh38, 1-based): chr15:30,904,770, A>G. VCF-style: chr15-30904770-A-G. GRCh37 (hg19) VCF-style: chr15-31196973-A-G.
Other names: c.107A>G, p.Asn36Ser (NM_001146094.2, NM_001146095.1, NM_001146096.2); short protein forms N36S.
Identifiers: ClinVar variation 2360000 (VCV002360000.5), dbSNP rs146249441, ClinGen allele CA7449980.